The following is an entry in ClinVar:

NM_001127511.3(APC):c.-23C>T

Gene: APC (APC regulator of Wnt signaling pathway; plus strand). Cytogenetic location: 5q22.2.
Variant type: single nucleotide variant.
Coding change: c.-23C>T on transcript NM_001127511.3; 23 bases upstream of the start codon, C replaced by T.
Molecular consequence: 5 prime UTR variant. On other transcripts: non-coding transcript variant (1), intron variant (5).
Genome position (GRCh38, 1-based): chr5:112,707,695, C>T. VCF-style: chr5-112707695-C-T. GRCh37 (hg19) VCF-style: chr5-112043392-C-T.
Other names: c.-206C>T (NM_001354895.2, NM_001407447.1, NM_001407452.1 and 3 more transcripts); c.-23C>T (NM_001354897.2, NM_001354902.2, NM_001407446.1); c.-1241C>T (NM_001407470.1, NM_001407472.1); c.-19+46C>T (NM_001407448.1, NM_001407450.1, NM_001407457.1 and 1 more transcripts); c.-43+46C>T (NM_001407453.1).
Identifiers: ClinVar variation 2035174 (VCV002035174.4), dbSNP rs747101141, ClinGen allele CA056458.
Genomic context (GRCh38, chr5:112,707,695, plus strand): 5'-CGATGCTGTTCCCAGGTACTGTTGTTGGCTGTTGGTGAGGAAGGTGAAGCACTCAGTTGC[C>T]TTCTCGGGCCTCGGCGCCCCCTATGTACGCCTCCCTGGGCTCGGGTCCGGTCGCCCCTTT-3'

ClinVar aggregate classification (germline): Uncertain significance (1 of 4 stars; one submission).

Conditions:
Familial adenomatous polyposis 1 (FAP1). Also called: FAMILIAL ADENOMATOUS POLYPOSIS 1, ATTENUATED; POLYPOSIS, ADENOMATOUS INTESTINAL. Identifiers: MedGen C2713442, MONDO:0021056, OMIM 175100. Disease mechanism: loss of function.

Allele frequency attached by ClinVar (database versions not stated): ExAC 0.00008.
gnomAD v4.1: 1 of 1,370,630 alleles (0.000073%); highest among the groups gnomAD compares: South Asian, 0.0012%; no homozygotes.

Submission:

Labcorp Genetics (formerly Invitae), Labcorp
Classification: Uncertain significance for Familial adenomatous polyposis 1. Last evaluated: 2024-05-16. Review status: criteria provided, single submitter. Criteria: Invitae Variant Classification Sherloc (09022015). Collection method: clinical testing. Allele origin: germline.
Comment: This variant occurs in a non-coding region of the APC gene. It does not change the encoded amino acid sequence of the APC protein. The frequency data for this variant in the population databases is considered unreliable, as metrics indicate poor data quality at this position in the gnomAD database. This variant has not been reported in the literature in individuals affected with APC-related conditions. Experimental studies and prediction algorithms are not available or were not evaluated, and the functional significance of this variant is currently unknown. In summary, the available evidence is currently insufficient to determine the role of this variant in disease. Therefore, it has been classified as a Variant of Uncertain Significance.